The following is an entry in ClinVar:

NM_000521.4(HEXB):c.300A>C (p.Arg100=)

Gene: HEXB (hexosaminidase subunit beta; plus strand). Cytogenetic location: 5q13.3.
Variant type: single nucleotide variant.
Coding change: c.300A>C on transcript NM_000521.4 (MANE Select); coding-DNA position 300, A replaced by C.
Protein change: p.Arg100=; no amino-acid change (arginine 100 retained).
Molecular consequence: synonymous variant. On other transcripts: 5 prime UTR variant (1).
Genome position (GRCh38, 1-based): chr5:74,689,328, A>C. VCF-style: chr5-74689328-A-C. GRCh37 (hg19) VCF-style: chr5-73985153-A-C.
Other names: c.-376A>C (NM_001292004.2).
Identifiers: ClinVar variation 1061546 (VCV001061546.9), dbSNP rs1303786596, ClinGen allele CA444851240.

ClinVar aggregate classification (germline): Uncertain significance. Review status: criteria provided, single submitter (1 of 4 stars). 2 submissions from 2 submitters: Uncertain significance (1). 1 of the submissions does not count toward it. Last evaluated 2022-08-02.

Conditions:
Sandhoff disease. Also called: Beta-hexosaminidase-beta-subunit deficiency; GM2 gangliosidosis, type 2; Total hexosaminidase deficiency; Sandhoff-Jatzkewitz-Pilz disease; GM2-GANGLIOSIDOSIS, TYPE II; HEXOSAMINIDASES A AND B DEFICIENCY. Identifiers: Orphanet 796, MedGen C0036161, MONDO:0010006, OMIM 268800.

Allele frequency attached by ClinVar (database versions not stated): gnomAD exomes below 0.00001; TOPMed 0.00001.
gnomAD v4.1: 1 of 1,611,986 alleles (0.000062%); highest among the groups gnomAD compares: Admixed American, 0.0017%; no homozygotes.

Submissions (2):

Labcorp Genetics (formerly Invitae), Labcorp
Classification: Uncertain significance for Sandhoff disease. Last evaluated: 2022-08-02. Review status: criteria provided, single submitter. Criteria: Invitae Variant Classification Sherloc (09022015). Collection method: clinical testing. Allele origin: germline.
Comment: This sequence change affects codon 100 of the HEXB mRNA. It is a 'silent' change, meaning that it does not change the encoded amino acid sequence of the HEXB protein. It affects a nucleotide within the consensus splice site. This variant is present in population databases (no rsID available, gnomAD 0.003%). This variant has not been reported in the literature in individuals affected with HEXB-related conditions. ClinVar contains an entry for this variant (Variation ID: 1061546). Algorithms developed to predict the effect of sequence changes on RNA splicing suggest that this variant is not likely to affect RNA splicing. In summary, the available evidence is currently insufficient to determine the role of this variant in disease. Therefore, it has been classified as a Variant of Uncertain Significance.

Natera, Inc.
Classification: Uncertain significance for Sandhoff disease. Last evaluated: 2020-12-22. Review status: no assertion criteria provided. Collection method: clinical testing. Allele origin: germline. Not counted in ClinVar's aggregate classification.